The following is an entry in ClinVar:

NM_020638.3(FGF23):c.419G>C (p.Arg140Pro)

Gene: FGF23 (fibroblast growth factor 23; minus strand). Cytogenetic location: 12p13.32.
Variant type: single nucleotide variant.
Coding change: c.419G>C on transcript NM_020638.3 (MANE Select); coding-DNA position 419, G replaced by C.
Protein change: p.Arg140Pro; replaces arginine 140 with proline.
Molecular consequence: missense variant.
Genome position (GRCh38, 1-based): chr12:4,370,680, C>G on the plus strand (G>C on the coding strand, the complement: FGF23 is on the minus strand). VCF-style: chr12-4370680-C-G. GRCh37 (hg19) VCF-style: chr12-4479846-C-G.
Other names: short protein forms R140P.
Identifiers: ClinVar variation 3686147 (VCV003686147.2).

ClinVar aggregate classification (germline): Uncertain significance (1 of 4 stars; one submission).

Submission:

Labcorp Genetics (formerly Invitae), Labcorp
Classification: Uncertain significance. Last evaluated: 2024-02-06. Review status: criteria provided, single submitter. Criteria: Invitae Variant Classification Sherloc (09022015). Collection method: clinical testing. Allele origin: germline.
Comment: This sequence change replaces arginine, which is basic and polar, with proline, which is neutral and non-polar, at codon 140 of the FGF23 protein (p.Arg140Pro). This variant is not present in population databases (gnomAD no frequency). This variant has not been reported in the literature in individuals affected with FGF23-related conditions. Advanced modeling of protein sequence and biophysical properties (such as structural, functional, and spatial information, amino acid conservation, physicochemical variation, residue mobility, and thermodynamic stability) has been performed at Invitae for this missense variant, however the output from this modeling did not meet the statistical confidence thresholds required to predict the impact of this variant on FGF23 protein function. In summary, the available evidence is currently insufficient to determine the role of this variant in disease. Therefore, it has been classified as a Variant of Uncertain Significance.